The following is an entry in ClinVar:

ClinVar aggregate classification (germline): Uncertain significance (1 of 4 stars; one submission).

Conditions:
TBX3-related disorder. Also called: TBX3-related condition.

Submission:

PreventionGenetics, part of Exact Sciences
Classification: Uncertain significance for TBX3-related condition. Last evaluated: 2026-06-27. Review status: criteria provided, single submitter. Criteria: ACMG Guidelines, 2015. Collection method: clinical testing. Allele origin: germline.
Comment: The TBX3 c.1993G>A variant is predicted to result in the amino acid substitution p.Ala665Thr. To our knowledge, this variant has not been reported in the literature or in a large population database (gnomAD), indicating this variant is rare. At this time, the clinical significance of this variant is uncertain due to the absence of conclusive functional and genetic evidence.

NM_005996.4(TBX3):c.1933G>A (p.Ala645Thr)

Gene: TBX3 (T-box transcription factor 3; minus strand). Cytogenetic location: 12q24.21.
Variant type: single nucleotide variant.
Coding change: c.1933G>A on transcript NM_005996.4 (MANE Select); coding-DNA position 1933, G replaced by A.
Protein change: p.Ala645Thr; replaces alanine 645 with threonine.
Molecular consequence: missense variant.
Genome position (GRCh38, 1-based): chr12:114,672,080, C>T on the plus strand (G>A on the coding strand, the complement: TBX3 is on the minus strand). VCF-style: chr12-114672080-C-T. GRCh37 (hg19) VCF-style: chr12-115109885-C-T.
Other names: c.1993G>A, p.Ala665Thr (NM_016569.4); short protein forms A665T, A645T.
Identifiers: ClinVar variation 4993172 (VCV004993172.1).